The following is an entry in ClinVar:

NM_007078.3(LDB3):c.1292C>A (p.Pro431His)

Gene: LDB3 (LIM domain binding 3; plus strand). Cytogenetic location: 10q23.2.
Variant type: single nucleotide variant.
Coding change: c.1292C>A on transcript NM_007078.3 (MANE Select); coding-DNA position 1292, C replaced by A.
Protein change: p.Pro431His; replaces proline 431 with histidine.
Molecular consequence: missense variant.
Genome position (GRCh38, 1-based): chr10:86,716,387, C>A. VCF-style: chr10-86716387-C-A. GRCh37 (hg19) VCF-style: chr10-88476144-C-A.
Other names: c.962C>A, p.Pro321His (NM_001080114.2); c.1307C>A, p.Pro436His (NM_001171610.2); c.1103C>A, p.Pro368His (NM_001368064.1, NM_001368065.1); c.1151C>A, p.Pro384His (NM_001368066.1); short protein forms P321H, P368H, P384H, P431H, P436H.
Identifiers: ClinVar variation 2629710 (VCV002629710.1), dbSNP rs545575892, ClinGen allele CA5585117.
Genomic context (GRCh38, chr10:86,716,387, plus strand): 5'-TGCCTGCATCTACCTACAGCCCGTCCCCAGGGGCCAATTACAGTCCCACTCCCTACACCC[C>A]CTCCCCTGCCCCTGCCTACACCCCCTCCCCTGCCCCTGCCTACACCCCCTCACCTGTCCC-3'
Protein context (NP_009009.1, residues 421-441): GANYSPTPYT[Pro431His]SPAPAYTPSP

ClinVar aggregate classification (germline): Uncertain significance (1 of 4 stars; one submission).

Conditions:
LDB3-related disorder. Also called: LDB3-related condition.

Allele frequency attached by ClinVar (database versions not stated): ExAC 0.00001; gnomAD 0.00001; 1000 Genomes Project 0.00020.

Submission:

PreventionGenetics, part of Exact Sciences
Classification: Uncertain significance for LDB3-related condition. Last evaluated: 2023-01-04. Review status: criteria provided, single submitter. Criteria: ACMG Guidelines, 2015. Collection method: clinical testing. Allele origin: germline.
Comment: The LDB3 c.962C>A variant is predicted to result in the amino acid substitution p.Pro321His. To our knowledge, this variant has not been reported in the literature. This variant is reported in 0.0030% of alleles in individuals of Latino descent in gnomAD. At this time, the clinical significance of this variant is uncertain due to the absence of conclusive functional and genetic evidence.